The following is an entry in ClinVar:

NM_003070.5(SMARCA2):c.1131C>T (p.Thr377=)

Gene: SMARCA2 (SWI/SNF related BAF chromatin remodeling complex subunit ATPase 2; plus strand). Cytogenetic location: 9p24.3.
Variant type: single nucleotide variant.
Coding change: c.1131C>T on transcript NM_003070.5 (MANE Select); coding-DNA position 1131, C replaced by T.
Protein change: p.Thr377=; no amino-acid change (threonine 377 retained).
Molecular consequence: synonymous variant.
Genome position (GRCh38, 1-based): chr9:2,054,681, C>T. VCF-style: chr9-2054681-C-T. GRCh37 (hg19) VCF-style: chr9-2054681-C-T.
Other names: c.1131C>T, p.Thr377= (NM_001289396.2, NM_001289397.2, NM_139045.4).
Identifiers: ClinVar variation 1979077 (VCV001979077.9), dbSNP rs766651421, ClinGen allele CA4963080.

ClinVar aggregate classification (germline): Likely benign. Review status: criteria provided, multiple submitters, no conflicts (2 of 4 stars). 2 submissions from 2 submitters: Likely benign (2). Last evaluated 2025-12-01.

Allele frequency attached by ClinVar (database versions not stated): ExAC 0.00001; gnomAD 0.00001; gnomAD exomes 0.00001.
gnomAD v4.1: 16 of 1,613,912 alleles (0.00099%); highest among the groups gnomAD compares: East Asian, 0.0022%; no homozygotes.

Submissions (2):

CeGaT Center for Human Genetics Tuebingen
Classification: Likely benign. Last evaluated: 2025-12-01. Review status: criteria provided, single submitter. Criteria: CeGaT Center For Human Genetics Tuebingen Variant Classification Criteria Version 2. Collection method: clinical testing. Allele origin: germline. Affected: yes. Observed: 1 variant allele.
Comment: SMARCA2: BP4, BP7

Labcorp Genetics (formerly Invitae), Labcorp
Classification: Likely benign. Last evaluated: 2023-06-11. Review status: criteria provided, single submitter. Criteria: Invitae Variant Classification Sherloc (09022015). Collection method: clinical testing. Allele origin: germline.